The following is an entry in ClinVar:

ClinVar aggregate classification (germline): Uncertain significance (1 of 4 stars; one submission).

Submission:

Women's Health and Genetics/Laboratory Corporation of America, LabCorp
Classification: Uncertain significance. Last evaluated: 2025-03-18. Review status: criteria provided, single submitter. Criteria: LabCorp Variant Classification Summary - May 2015. Collection method: clinical testing. Allele origin: germline.
Comment: Variant summary: The variant involves the duplication of exons 1-11 in the RNASEH2B gene. A presumed nomenclature of c.(?_-287)_(*289_?)dup has been designated for the purposes of this classification. This duplication includes the entire coding sequence of the gene. As exact breakpoints are unknown, it may extend beyond the annotated region of the gene, to include other flanking genes. The variant was absent in 21694 control chromosomes (gnomAD, structural variants dataset). The available data on variant occurrences in the general population are insufficient to allow any conclusion about variant significance. To our knowledge, no occurrence of c.(?_-287)_(*289_?)dup in individuals affected with Aicardi Goutieres Syndrome and no experimental evidence demonstrating its impact on protein function have been reported. No submitters have cited clinical-significance assessments for this variant to ClinVar. Based on the evidence outlined above, the variant was classified as uncertain significance.

NC_000013.10:g.(?_51483926)_(51530899_?)dup

Gene: RNASEH2B (ribonuclease H2 subunit B; plus strand). Cytogenetic location: 13q14.3.
Variant type: Duplication.
Identifiers: ClinVar variation 3895559 (VCV003895559.1).